The following is an entry in ClinVar:

ClinVar aggregate classification (germline): Uncertain significance (1 of 4 stars; one submission).

Conditions:
Pheochromocytoma. Also called: MAX-Related Hereditary Paraganglioma-Pheochromocytoma Syndrome. Identifiers: Orphanet 29072, MedGen C0031511, MONDO:0008233, OMIM 171300, HP:0002666.
Pheochromocytoma/paraganglioma syndrome 4. Also called: CAROTID BODY TUMORS AND MULTIPLE EXTRAADRENAL PHEOCHROMOCYTOMAS; PARAGANGLIOMA, FAMILIAL MALIGNANT; PARAGANGLIOMAS, HEREDITARY EXTRAADRENAL; PHEOCHROMOCYTOMA, FAMILIAL EXTRAADRENAL; Paragangliomas 4; SDHB-Related Hereditary Paraganglioma-Pheochromocytoma Syndrome (Paragangliomas 4). Identifiers: Orphanet 29072, MedGen C1861848, MONDO:0007273, OMIM 115310.
Gastrointestinal stromal tumor. Also called: Gastrointestinal stromal tumor, somatic; Gastrointestinal stroma tumor. Identifiers: Orphanet 44890, MedGen C0238198, MeSH D046152, MONDO:0011719, OMIM 606764, HP:0100723.

Submission:

Labcorp Genetics (formerly Invitae), Labcorp
Classification: Uncertain significance for Gastrointestinal stromal tumor; Pheochromocytoma/paraganglioma syndrome 4; Pheochromocytoma. Last evaluated: 2025-06-06. Review status: criteria provided, single submitter. Criteria: Invitae Variant Classification Sherloc (09022015). Collection method: clinical testing. Allele origin: germline.
Comment: This sequence change replaces valine, which is neutral and non-polar, with leucine, which is neutral and non-polar, at codon 135 of the SDHB protein (p.Val135Leu). This variant is not present in population databases (gnomAD no frequency). This variant has not been reported in the literature in individuals affected with SDHB-related conditions. Invitae Evidence Modeling of protein sequence and biophysical properties (such as structural, functional, and spatial information, amino acid conservation, physicochemical variation, residue mobility, and thermodynamic stability) indicates that this missense variant is expected to disrupt SDHB protein function with a positive predictive value of 80%. In summary, the available evidence is currently insufficient to determine the role of this variant in disease. Therefore, it has been classified as a Variant of Uncertain Significance.

NM_003000.3(SDHB):c.403G>T (p.Val135Leu)

Gene: SDHB (succinate dehydrogenase complex iron sulfur subunit B; minus strand). Cytogenetic location: 1p36.13.
Variant type: single nucleotide variant.
Coding change: c.403G>T on transcript NM_003000.3 (MANE Select); coding-DNA position 403, G replaced by T.
Protein change: p.Val135Leu; replaces valine 135 with leucine.
Molecular consequence: missense variant. On other transcripts: intron variant (1).
Genome position (GRCh38, 1-based): chr1:17,028,620, C>A on the plus strand (G>T on the coding strand, the complement: SDHB is on the minus strand). VCF-style: chr1-17028620-C-A. GRCh37 (hg19) VCF-style: chr1-17355115-C-A.
Other names: c.369+34G>T (NM_001407361.1); short protein forms V135L.
Identifiers: ClinVar variation 4783030 (VCV004783030.1).